The following is an entry in ClinVar:

NM_000065.5(C6):c.8G>T (p.Arg3Ile)

Gene: C6 (complement C6; minus strand). Cytogenetic location: 5p13.1.
Variant type: single nucleotide variant.
Coding change: c.8G>T on transcript NM_000065.5 (MANE Select); coding-DNA position 8, G replaced by T.
Protein change: p.Arg3Ile; replaces arginine 3 with isoleucine.
Molecular consequence: missense variant.
Genome position (GRCh38, 1-based): chr5:41,203,223, C>A on the plus strand (G>T on the coding strand, the complement: C6 is on the minus strand). VCF-style: chr5-41203223-C-A. GRCh37 (hg19) VCF-style: chr5-41203325-C-A.
Other names: c.8G>T, p.Arg3Ile (NM_001115131.4); short protein forms R3I.
Identifiers: ClinVar variation 2075348 (VCV002075348.2), dbSNP rs777030578, ClinGen allele CA3252918.

ClinVar aggregate classification (germline): Uncertain significance. Review status: criteria provided, multiple submitters, no conflicts (2 of 4 stars). 2 submissions from 2 submitters: Uncertain significance (2). Last evaluated 2025-02-14.

Conditions:
Inborn genetic diseases. Identifiers: MedGen C0950123, MeSH D030342.

Allele frequency attached by ClinVar (database versions not stated): ExAC 0.00001; gnomAD 0.00002; TOPMed 0.00003.
gnomAD v4.1: 24 of 1,614,030 alleles (0.0015%); highest among the groups gnomAD compares: Non-Finnish European, 0.002%; no homozygotes.

Submissions (2):

Ambry Genetics
Classification: Uncertain significance for Inborn genetic diseases. Last evaluated: 2025-02-14. Review status: criteria provided, single submitter. Criteria: Ambry Variant Classification Scheme 2023. Collection method: clinical testing. Allele origin: germline.

Labcorp Genetics (formerly Invitae), Labcorp
Classification: Uncertain significance. Last evaluated: 2022-06-23. Review status: criteria provided, single submitter. Criteria: Invitae Variant Classification Sherloc (09022015). Collection method: clinical testing. Allele origin: germline.
Comment: This sequence change replaces arginine, which is basic and polar, with isoleucine, which is neutral and non-polar, at codon 3 of the C6 protein (p.Arg3Ile). This variant is present in population databases (rs777030578, gnomAD 0.0009%). This variant has not been reported in the literature in individuals affected with C6-related conditions. Algorithms developed to predict the effect of missense changes on protein structure and function (SIFT, PolyPhen-2, Align-GVGD) all suggest that this variant is likely to be tolerated. In summary, the available evidence is currently insufficient to determine the role of this variant in disease. Therefore, it has been classified as a Variant of Uncertain Significance.